The following is an entry in ClinVar:

ClinVar aggregate classification (germline): Likely pathogenic (1 of 4 stars; one submission).

Conditions:
Lipoic acid synthetase deficiency. Also called: HYPERGLYCINEMIA, LACTIC ACIDOSIS, AND SEIZURES. Identifiers: Orphanet 401859, MedGen C3280887, MONDO:0013762, OMIM 614462.

Submission:

Centre for Mendelian Genomics, University Medical Centre Ljubljana
Classification: Likely pathogenic for Lipoic acid synthetase deficiency. Last evaluated: 2019-04-02. Review status: criteria provided, single submitter. Criteria: ACMG Guidelines, 2015. Collection method: clinical testing. Allele origin: unknown. Affected: yes.
Comment: This variant was classified as: Likely pathogenic. The following ACMG criteria were applied in classifying this variant: PVS1,PM2.

NM_006859.4(LIAS):c.643del (p.Asp215fs)

Gene: LIAS (lipoic acid synthetase; plus strand). Cytogenetic location: 4p14.
Variant type: Deletion.
Coding change: c.643del on transcript NM_006859.4 (MANE Select); coding-DNA position 643, one base deleted (G; older notation c.643delG).
Protein change: p.Asp215fs; shifts the reading frame from aspartic acid 215.
Molecular consequence: frameshift variant. On other transcripts: intron variant (1).
Genome position (GRCh38, 1-based): chr4:39,467,552, G deleted. VCF-style (leftmost placement, unchanged base first): chr4-39467551-TG-T. GRCh37 (hg19) VCF-style: chr4-39469171-TG-T.
Other names: c.334del, p.Asp112fs (NM_001363700.2); c.643del, p.Asp215fs (NM_194451.3); c.608+2210del (NM_001278590.2); short protein forms D112fs, D215fs.
Identifiers: ClinVar variation 930324 (VCV000930324.3), dbSNP rs1744806313, ClinGen allele CA1139658476.
Genomic context (GRCh38, chr4:39,467,551, plus strand): 5'-TTTGATAATTCTCTCTTTTCCCCTTAGGAATCCAAAAATCCTTGTGGAGTGTCTTACTCC[TG>T]ATTTTCGAGGTGATCTCAAAGCAATAGAAAAAGTTGCTCTGTCAGGATTAGATGTGTATG-3'